The following is an entry in ClinVar:

ClinVar aggregate classification (germline): Uncertain significance. Review status: criteria provided, multiple submitters, no conflicts (2 of 4 stars). 2 submissions from 2 submitters: Uncertain significance (2). Last evaluated 2025-03-07.

Conditions:
Inborn genetic diseases. Identifiers: MedGen C0950123, MeSH D030342.

gnomAD v4.1: 4 of 1,613,946 alleles (0.00025%); highest among the groups gnomAD compares: Non-Finnish European, 0.00034%; no homozygotes.

Submissions (2):

Ambry Genetics
Classification: Uncertain significance for Inborn genetic diseases. Last evaluated: 2025-03-07. Review status: criteria provided, single submitter. Criteria: Ambry Variant Classification Scheme 2023. Collection method: clinical testing. Allele origin: germline.

Labcorp Genetics (formerly Invitae), Labcorp
Classification: Uncertain significance. Last evaluated: 2023-10-02. Review status: criteria provided, single submitter. Criteria: Invitae Variant Classification Sherloc (09022015). Collection method: clinical testing. Allele origin: germline.
Comment: This sequence change replaces alanine, which is neutral and non-polar, with proline, which is neutral and non-polar, at codon 541 of the TSPEAR protein (p.Ala541Pro). This variant is not present in population databases (gnomAD no frequency). This missense change has been observed in individual(s) with clinical features consistent with ectodermal dysplasia (Invitae). In at least one individual the data is consistent with being in trans (on the opposite chromosome) from a pathogenic variant. ClinVar contains an entry for this variant (Variation ID: 2103762). Advanced modeling of protein sequence and biophysical properties (such as structural, functional, and spatial information, amino acid conservation, physicochemical variation, residue mobility, and thermodynamic stability) has been performed at Invitae for this missense variant, however the output from this modeling did not meet the statistical confidence thresholds required to predict the impact of this variant on TSPEAR protein function. In summary, the available evidence is currently insufficient to determine the role of this variant in disease. Therefore, it has been classified as a Variant of Uncertain Significance.

NM_144991.3(TSPEAR):c.1621G>C (p.Ala541Pro)

Genes: TSPEAR (thrombospondin type laminin G domain and EAR repeats; minus strand), TSPEAR-AS1 (TSPEAR antisense RNA 1; plus strand), LOC126653398 (CDK7 strongly-dependent group 2 enhancer GRCh37_chr21:45928270-45929469; plus strand). Cytogenetic location: 21q22.3.
Variant type: single nucleotide variant.
Coding change: c.1621G>C on transcript NM_144991.3 (MANE Select); coding-DNA position 1621, G replaced by C.
Protein change: p.Ala541Pro; replaces alanine 541 with proline.
Molecular consequence: missense variant. On other transcripts: non-coding transcript variant (1).
Genome position (GRCh38, 1-based): chr21:44,509,332, C>G on the plus strand (G>C on the coding strand, the complement: TSPEAR is on the minus strand). VCF-style: chr21-44509332-C-G. GRCh37 (hg19) VCF-style: chr21-45929215-C-G.
Other names: c.1417G>C, p.Ala473Pro (NM_001272037.2); c.1621G>C (NM_144991.2); short protein forms A473P, A541P.
Identifiers: ClinVar variation 2103762 (VCV002103762.5), dbSNP rs782022725, ClinGen allele CA410432157.